The following is an entry in ClinVar:

ClinVar aggregate classification (germline): Uncertain significance (1 of 4 stars; one submission).

Conditions:
Developmental and epileptic encephalopathy, 12 (DEE12). Identifiers: MedGen C3150988, MONDO:0013389, OMIM 613722.

Allele frequency attached by ClinVar (database versions not stated): TOPMed below 0.00001; gnomAD exomes 0.00001; ExAC 0.00002.

Submission:

Labcorp Genetics (formerly Invitae), Labcorp
Classification: Uncertain significance for Developmental and epileptic encephalopathy, 12. Last evaluated: 2020-12-31. Review status: criteria provided, single submitter. Criteria: Invitae Variant Classification Sherloc (09022015). Collection method: clinical testing. Allele origin: germline.
Comment: In summary, the available evidence is currently insufficient to determine the role of this variant in disease. Therefore, it has been classified as a Variant of Uncertain Significance. Algorithms developed to predict the effect of missense changes on protein structure and function are either unavailable or do not agree on the potential impact of this missense change (SIFT: "Deleterious"; PolyPhen-2: "Benign"; Align-GVGD: "Class C0"). This variant has not been reported in the literature in individuals with PNKP-related conditions. This variant is present in population databases (rs761491872, ExAC 0.009%). This sequence change replaces arginine with glutamine at codon 513 of the PNKP protein (p.Arg513Gln). The arginine residue is moderately conserved and there is a small physicochemical difference between arginine and glutamine.

NM_007254.4(PNKP):c.1538G>A (p.Arg513Gln)

Gene: PNKP (polynucleotide kinase 3'-phosphatase; minus strand). Cytogenetic location: 19q13.33.
Variant type: single nucleotide variant.
Coding change: c.1538G>A on transcript NM_007254.4 (MANE Select); coding-DNA position 1538, G replaced by A.
Protein change: p.Arg513Gln; replaces arginine 513 with glutamine.
Molecular consequence: missense variant.
Genome position (GRCh38, 1-based): chr19:49,861,276, C>T on the plus strand (G>A on the coding strand, the complement: PNKP is on the minus strand). VCF-style: chr19-49861276-C-T. GRCh37 (hg19) VCF-style: chr19-50364533-C-T.
Other names: short protein forms R513Q.
Identifiers: ClinVar variation 1498283 (VCV001498283.8), dbSNP rs761491872, ClinGen allele CA9586314.